The following is an entry in ClinVar:

ClinVar aggregate classification (germline): Pathogenic/Likely pathogenic. Review status: criteria provided, multiple submitters, no conflicts (2 of 4 stars). 3 submissions from 3 submitters: Pathogenic (2); Likely pathogenic (1). Last evaluated 2023-09-05.

Conditions:
46 XY differences of sex development. Also called: 46, XY disorder of sex development (DSD); 46,XY disorder of sex development. Identifiers: Orphanet 98085, MedGen C2751824, MONDO:0020040.
Oligosynaptic infertility (SPGF1). Also called: SPERMATOGENIC FAILURE 1; OLIGOCHIASMATIC INFERTILITY. Identifiers: MedGen C0403810, MONDO:0009776, OMIM 258150.
NR5A1-related disorder. Also called: NR5A1-related condition.
46,XY sex reversal 3. Also called: SEX REVERSAL, XY, WITH OR WITHOUT ADRENAL FAILURE; 46,XY SEX REVERSAL, PARTIAL OR COMPLETE, NR5A1-RELATED; NR5A1-related 46,XY complete gonadal dysgenesis; 46,XY GONADAL DYSGENESIS, PARTIAL OR COMPLETE, WITH OR WITHOUT ADRENAL FAILURE; DISORDER OF SEX DEVELOPMENT, 46,XY, NR5A1-RELATED. Identifiers: MedGen C3489793, MONDO:0013066, OMIM 612965.

Submissions (3):

PreventionGenetics, part of Exact Sciences
Classification: Likely pathogenic for NR5A1-related condition. Last evaluated: 2023-09-05. Review status: criteria provided, single submitter. Criteria: ACMG Guidelines, 2015. Collection method: clinical testing. Allele origin: germline.
Comment: The NR5A1 c.1106_1109delTCTG variant is predicted to result in a frameshift and premature protein termination (p.Val369Alafs*12). To our knowledge, this variant has not been reported in the literature or in a large population database, indicating this variant is rare. Frameshift variants in NR5A1 are expected to be pathogenic. This variant is interpreted as likely pathogenic.

Institute of Medical Genetics and Applied Genomics, University Hospital Tübingen
Classification: Pathogenic for 46,XY sex reversal 3. Last evaluated: 2023-02-22. Review status: criteria provided, single submitter. Criteria: ACMG Guidelines, 2015. Collection method: clinical testing. Allele origin: germline. Inheritance: Autosomal dominant inheritance. Affected: yes.

Labcorp Genetics (formerly Invitae), Labcorp
Classification: Pathogenic for 46 XY differences of sex development; Oligosynaptic infertility. Last evaluated: 2022-02-02. Review status: criteria provided, single submitter. Criteria: Invitae Variant Classification Sherloc (09022015). Collection method: clinical testing. Allele origin: germline.
Comment: For these reasons, this variant has been classified as Pathogenic. This variant disrupts a region of the NR5A1 protein in which other variant(s) (p.Tyr409*) have been determined to be pathogenic (Invitae). This suggests that this is a clinically significant region of the protein, and that variants that disrupt it are likely to be disease-causing. This variant has not been reported in the literature in individuals affected with NR5A1-related conditions. This variant is not present in population databases (gnomAD no frequency). This sequence change creates a premature translational stop signal (p.Val369Alafs*12) in the NR5A1 gene. While this is not anticipated to result in nonsense mediated decay, it is expected to disrupt the last 93 amino acid(s) of the NR5A1 protein.

NM_004959.5(NR5A1):c.1106_1109del (p.Val369fs)

Gene: NR5A1 (nuclear receptor subfamily 5 group A member 1; minus strand). Cytogenetic location: 9q33.3.
Variant type: Deletion.
Coding change: c.1106_1109del on transcript NM_004959.5 (MANE Select); coding-DNA positions 1106 to 1109, 4 bases deleted (TCTG; older notation c.1106_1109delTCTG).
Protein change: p.Val369fs; shifts the reading frame from valine 369.
Molecular consequence: frameshift variant.
Genome position (GRCh38, 1-based): chr9:124,491,110-124,491,113, CAGA deleted on the plus strand (TCTG on the coding strand, the reverse complement: NR5A1 is on the minus strand); deleting any 4 consecutive bases within chr9:124,491,110-124,491,115 gives the same sequence; the c. name uses the placement nearest the transcript's 3' end. VCF-style (leftmost placement, unchanged base first): chr9-124491109-GCAGA-G. GRCh37 (hg19) VCF-style: chr9-127253388-GCAGA-G.
Other names: c.1106_1109delTCTG (NM_004959.4); short protein forms V369fs.
Identifiers: ClinVar variation 2092105 (VCV002092105.6), dbSNP rs2538674045, ClinGen allele CA2580079528.